The following is an entry in ClinVar:

ClinVar aggregate classification (germline): Uncertain significance (1 of 4 stars; one submission).

Allele frequency attached by ClinVar (database versions not stated): gnomAD 0.00001; ExAC 0.00002; gnomAD exomes 0.00006.

Submission:

Labcorp Genetics (formerly Invitae), Labcorp
Classification: Uncertain significance. Last evaluated: 2025-08-03. Review status: criteria provided, single submitter. Criteria: Invitae Variant Classification Sherloc (09022015). Collection method: clinical testing. Allele origin: germline.
Comment: This sequence change replaces glutamine, which is neutral and polar, with glutamic acid, which is acidic and polar, at codon 1571 of the COL7A1 protein (p.Gln1571Glu). This variant is present in population databases (rs752533521, gnomAD 0.004%). This variant has not been reported in the literature in individuals affected with COL7A1-related conditions. ClinVar contains an entry for this variant (Variation ID: 2139357). Invitae Evidence Modeling of protein sequence and biophysical properties (such as structural, functional, and spatial information, amino acid conservation, physicochemical variation, residue mobility, and thermodynamic stability) indicates that this missense variant is not expected to disrupt COL7A1 protein function with a negative predictive value of 95%. In summary, the available evidence is currently insufficient to determine the role of this variant in disease. Therefore, it has been classified as a Variant of Uncertain Significance.

NM_000094.4(COL7A1):c.4711C>G (p.Gln1571Glu)

Gene: COL7A1 (collagen type VII alpha 1 chain; minus strand). Cytogenetic location: 3p21.31.
Variant type: single nucleotide variant.
Coding change: c.4711C>G on transcript NM_000094.4 (MANE Select); coding-DNA position 4711, C replaced by G.
Protein change: p.Gln1571Glu; replaces glutamine 1571 with glutamic acid.
Molecular consequence: missense variant.
Genome position (GRCh38, 1-based): chr3:48,581,717, G>C on the plus strand (C>G on the coding strand, the complement: COL7A1 is on the minus strand). VCF-style: chr3-48581717-G-C. GRCh37 (hg19) VCF-style: chr3-48619150-G-C.
Other names: short protein forms Q1571E.
Identifiers: ClinVar variation 2139357 (VCV002139357.3), dbSNP rs752533521, ClinGen allele CA2379887.
Genomic context (GRCh38, chr3:48,581,717, plus strand): 5'-AGGAAGACAACCTTCACCAACTGCCCCCTAAACACTTCGCTTCACTTACCCGTTCCCCTT[G>C]GACTCCGGTAGCTCCTCTGGGCCCAGCGGGCCCCACATCTCCCTGGAGGTGACAAAGACC-3'
Protein context (NP_000085.1, residues 1561-1581): PAGPRGATGV[Gln1571Glu]GERGPPGLVL